The following is an entry in ClinVar:

ClinVar aggregate classification (germline): Uncertain significance (1 of 4 stars; one submission).

Conditions:
Catecholaminergic polymorphic ventricular tachycardia 1. Also called: VENTRICULAR TACHYCARDIA, CATECHOLAMINERGIC POLYMORPHIC, 1, WITH OR WITHOUT ATRIAL DYSFUNCTION AND/OR DILATED CARDIOMYOPATHY; VENTRICULAR TACHYCARDIA, STRESS-INDUCED POLYMORPHIC 1; RYR2-Related Catecholaminergic Polymorphic Ventricular Tachycardia. Identifiers: Orphanet 3286, MedGen C1631597, MONDO:0011484, OMIM 604772.

Submission:

Labcorp Genetics (formerly Invitae), Labcorp
Classification: Uncertain significance for Catecholaminergic polymorphic ventricular tachycardia 1. Last evaluated: 2019-09-19. Review status: criteria provided, single submitter. Criteria: Invitae Variant Classification Sherloc (09022015). Collection method: clinical testing. Allele origin: germline.
Comment: In summary, the available evidence is currently insufficient to determine the role of this variant in disease. Therefore, it has been classified as a Variant of Uncertain Significance. Nucleotide substitutions within the consensus splice site are a relatively common cause of aberrant splicing (PMID: 17576681, 9536098). Algorithms developed to predict the effect of sequence changes on RNA splicing suggest that this variant may disrupt the consensus splice site, but this prediction has not been confirmed by published transcriptional studies. This variant has not been reported in the literature in individuals with RYR2-related conditions. This variant is not present in population databases (ExAC no frequency). This sequence change falls in intron 4 of the RYR2 gene. It does not directly change the encoded amino acid sequence of the RYR2 protein, but it affects a nucleotide within the consensus splice site of the intron.

Literature cited by the submitters: PubMed 17576681; PubMed 9536098.

NM_001035.3(RYR2):c.294+5G>A

Gene: RYR2 (ryanodine receptor 2; plus strand). Cytogenetic location: 1q43.
Variant type: single nucleotide variant.
Coding change: c.294+5G>A on transcript NM_001035.3 (MANE Select); 5 bases into the intron after coding-DNA position 294, G replaced by A.
Molecular consequence: intron variant.
Genome position (GRCh38, 1-based): chr1:237,355,990, G>A. VCF-style: chr1-237355990-G-A. GRCh37 (hg19) VCF-style: chr1-237519290-G-A.
Identifiers: ClinVar variation 958987 (VCV000958987.9), dbSNP rs1699261815, ClinGen allele CA1139656645.